The following is an entry in ClinVar:

NM_182961.4(SYNE1):c.7030-96T>C

Gene: SYNE1 (spectrin repeat containing nuclear envelope protein 1; minus strand). Cytogenetic location: 6q25.2.
Variant type: single nucleotide variant.
Coding change: c.7030-96T>C on transcript NM_182961.4 (MANE Select); 96 bases into the intron before coding-DNA position 7030, T replaced by C.
Molecular consequence: intron variant.
Genome position (GRCh38, 1-based): chr6:152,399,919, A>G on the plus strand (T>C on the coding strand, the complement: SYNE1 is on the minus strand). VCF-style: chr6-152399919-A-G. GRCh37 (hg19) VCF-style: chr6-152721054-A-G.
Other names: c.7051-96T>C (NM_033071.5).
Identifiers: ClinVar variation 673146 (VCV000673146.1), dbSNP rs75207158, ClinGen allele CA16283901.

ClinVar aggregate classification (germline): Benign (1 of 4 stars; one submission).

Allele frequency attached by ClinVar (database versions not stated): gnomAD exomes 0.00268; 1000 Genomes Project 0.02236; gnomAD 0.02379 and 0.02532; 1000 Genomes Project 30x 0.02514; TOPMed 0.02738.
gnomAD v4.1: 7,011 of 1,345,376 alleles (0.52%); highest among the groups gnomAD compares: African/African-American, 8.1%; 220 homozygotes.

Submission:

GeneDx
Classification: Benign. Last evaluated: 2018-06-14. Review status: criteria provided, single submitter. Criteria: GeneDx Variant Classification (06012015). Collection method: clinical testing. Allele origin: germline. Affected: yes.
Comment: This variant is considered likely benign or benign based on one or more of the following criteria: it is a conservative change, it occurs at a poorly conserved position in the protein, it is predicted to be benign by multiple in silico algorithms, and/or has population frequency not consistent with disease.